The following is an entry in ClinVar:

NM_005886.3(KATNB1):c.1046+3G>T

Gene: KATNB1 (katanin regulatory subunit B1; plus strand). Cytogenetic location: 16q21.
Variant type: single nucleotide variant.
Coding change: c.1046+3G>T on transcript NM_005886.3 (MANE Select); 3 bases into the intron after coding-DNA position 1046, G replaced by T.
Molecular consequence: intron variant.
Genome position (GRCh38, 1-based): chr16:57,753,270, G>T. VCF-style: chr16-57753270-G-T. GRCh37 (hg19) VCF-style: chr16-57787182-G-T.
Identifiers: ClinVar variation 2106580 (VCV002106580.4), dbSNP rs2506915809, ClinGen allele CA2580091716.
Genomic context (GRCh38, chr16:57,753,270, plus strand): 5'-GCGCCCCCCTCCGGCGCATCTATGAGCGGCCCAGCACAACCTGCAGCAAGCCTCAGAGGT[G>T]AGGGCCTGGGGGGCCTTCGGGGGCCCAGGAGAGGGACTGTCACAGGGGAAGCCTCGGAGT-3'

ClinVar aggregate classification (germline): Uncertain significance (1 of 4 stars; one submission).

Submission:

Labcorp Genetics (formerly Invitae), Labcorp
Classification: Uncertain significance. Last evaluated: 2025-12-08. Review status: criteria provided, single submitter. Criteria: Invitae Variant Classification Sherloc (09022015). Collection method: clinical testing. Allele origin: germline.
Comment: This sequence change falls in intron 11 of the KATNB1 gene. It does not directly change the encoded amino acid sequence of the KATNB1 protein. It affects a nucleotide within the consensus splice site. This variant is not present in population databases (gnomAD no frequency). This variant has not been reported in the literature in individuals affected with KATNB1-related conditions. ClinVar contains an entry for this variant (Variation ID: 2106580). Variants that disrupt the consensus splice site are a relatively common cause of aberrant splicing (PMID: 17576681, 9536098). Algorithms developed to predict the effect of sequence changes on RNA splicing suggest that this variant is not likely to affect RNA splicing. In summary, the available evidence is currently insufficient to determine the role of this variant in disease. Therefore, it has been classified as a Variant of Uncertain Significance.

Literature cited by the submitters: PubMed 17576681; PubMed 9536098.